The following is an entry in ClinVar:

ClinVar aggregate classification (germline): Uncertain significance. Review status: criteria provided, single submitter (1 of 4 stars). 2 submissions from 2 submitters: Uncertain significance (1). 1 of the submissions does not count toward it. Last evaluated 2022-11-03.

Conditions:
Marfan syndrome (MFS). Also called: MARFAN SYNDROME, TYPE I; FBN1-Related Marfan Syndrome; Marfan syndrome type 1; Marfan's syndrome; Marfan syndrome, classic. Identifiers: Orphanet 284963, Orphanet 558, MedGen C0024796, MONDO:0007947, OMIM 154700.
FBN1-related disorder. Also called: FBN1-related disorders.

Submissions (2):

PreventionGenetics, part of Exact Sciences
Classification: Uncertain significance for FBN1-related condition. Last evaluated: 2022-11-03. Review status: criteria provided, single submitter. Criteria: ACMG Guidelines, 2015. Collection method: clinical testing. Allele origin: germline.
Comment: The FBN1 c.2678-15C>A variant is predicted to interfere with splicing. This variant was reported in an individual with Marfan syndrome with aortic dilatation (Torrado et al 2018. PubMed ID: 30003093). This variant has not been reported in a large population database, indicating this variant is rare. In vitro functional characterization of this variant suggests that it disrupts normal splicing which leads to a frameshift and a premature stop codon in exon 23 of the FBN1 gene (Torrado et al 2018. PubMed ID: 30003093). Although we suspect that this variant may be pathogenic, at this time, the clinical significance of this variant is uncertain due to the absence of conclusive functional and genetic evidence.

Health in Code S.L.
Classification: Pathogenic for Marfan syndrome. Last evaluated: 2017-11-24. Review status: no assertion criteria provided. Collection method: research, in vitro. Allele origin: germline, not applicable. Inheritance: Autosomal dominant inheritance. Affected: yes. Observed: 1 variant allele, 1 heterozygote. Functional consequence: cryptic splice acceptor activation. Not counted in ClinVar's aggregate classification.
Comment: In vitro functional FBN1 minigene expression studies at the mRNA and protein level revealed that, whereas the consensus minigene is processed as predicted, the c.2678-15CËƒA variant disrupts normal splicing of intron 22 leading to aberrant pseudoexon inclusion, frameshift (at the last codon of exon 22) and premature termination codon (at exon 23), due to activation of cryptic splice-acceptor site in the intron 22. Collectively, the results strongly suggest that the c.2678-15C>A variant could lead to haploinsufficiency of the FBN1 functional protein and structural connective tissue fragility in Marfan's syndrome patients.

NM_000138.5(FBN1):c.2678-15C>A

Gene: FBN1 (fibrillin 1; minus strand). Cytogenetic location: 15q21.1.
Variant type: single nucleotide variant.
Coding change: c.2678-15C>A on transcript NM_000138.5 (MANE Select); 15 bases into the intron before coding-DNA position 2678, C replaced by A.
Molecular consequence: intron variant.
Genome position (GRCh38, 1-based): chr15:48,494,269, G>T on the plus strand (C>A on the coding strand, the complement: FBN1 is on the minus strand). VCF-style: chr15-48494269-G-T. GRCh37 (hg19) VCF-style: chr15-48786466-G-T.
Identifiers: ClinVar variation 446494 (VCV000446494.6), dbSNP rs181681840, ClinGen allele CA658824459.